The following is an entry in ClinVar:

NM_016169.4(SUFU):c.933_935dup (p.Leu312_Arg313insLeu)

Gene: SUFU (SUFU negative regulator of hedgehog signaling; plus strand). Cytogenetic location: 10q24.32.
Variant type: Duplication.
Coding change: c.933_935dup on transcript NM_016169.4 (MANE Select); coding-DNA positions 933 to 935, 3 bases duplicated (CCT; older notation c.933_935dupCCT).
Protein change: p.Leu312_Arg313insLeu.
Genome position (GRCh38, 1-based): chr10:102,599,455-102,599,457, CCT duplicated. VCF-style (leftmost placement, unchanged base first): chr10-102599454-C-CCCT. GRCh37 (hg19) VCF-style: chr10-104359211-C-CCCT.
Other names: c.933_935dupCCT (NM_016169.3); c.933_935dup, p.Leu312_Arg313insLeu (NM_001178133.2).
Identifiers: ClinVar variation 4786081 (VCV004786081.2).

ClinVar aggregate classification (germline): Uncertain significance. Review status: criteria provided, multiple submitters, no conflicts (2 of 4 stars). 2 submissions from 2 submitters: Uncertain significance (2). Last evaluated 2026-02-01.

Conditions:
Hereditary cancer-predisposing syndrome. Also called: Neoplastic Syndromes, Hereditary; Hereditary neoplastic syndrome; Tumor predisposition; Hereditary Cancer Syndrome. Identifiers: Orphanet 140162, MedGen C0027672, MeSH D009386, MONDO:0015356.
Medulloblastoma (MDB). Also called: Medulloblastoma, somatic; MEDULLOBLASTOMA PREDISPOSITION SYNDROME. Identifiers: Orphanet 616, MedGen C0025149, MeSH D008527, MONDO:0007959, OMIM 155255, HP:0002885.
Gorlin syndrome. Also called: Nevoid Basal Cell Carcinoma Syndrome; Basal cell nevus syndrome. Identifiers: Orphanet 377, MedGen C0004779, MONDO:0007187.

Submissions (2):

Labcorp Genetics (formerly Invitae), Labcorp
Classification: Uncertain significance for Gorlin syndrome; Medulloblastoma. Last evaluated: 2026-02-01. Review status: criteria provided, single submitter. Criteria: Invitae Variant Classification Sherloc (09022015). Collection method: clinical testing. Allele origin: germline.
Comment: This variant, c.933_935dup, results in the insertion of 1 amino acid(s) of the SUFU protein (p.Leu312dup), but otherwise preserves the integrity of the reading frame. This variant is not present in population databases (gnomAD no frequency). This variant has not been reported in the literature in individuals affected with SUFU-related conditions. In summary, the available evidence is currently insufficient to determine the role of this variant in disease. Therefore, it has been classified as a Variant of Uncertain Significance.

Ambry Genetics
Classification: Uncertain significance for Hereditary cancer-predisposing syndrome. Last evaluated: 2025-12-23. Review status: criteria provided, single submitter. Criteria: Ambry Variant Classification Scheme 2023. Collection method: clinical testing. Allele origin: germline.
Comment: The c.933_935dupCCT variant (also known as p.L312dup), located in coding exon 8 of the SUFU gene, results from an in-frame duplication of CCT at nucleotide positions 933 to 935. This results in the duplication of an extra residue between codons 312 and 313. This amino acid region is highly conserved in available vertebrate species. Based on the available evidence, the clinical significance of this variant remains unclear.